The following is an entry in ClinVar:

ClinVar aggregate classification (germline): Likely benign. Review status: criteria provided, single submitter (1 of 4 stars). 2 submissions from 2 submitters: Likely benign (1). 1 of the submissions does not count toward it. Last evaluated 2024-11-06.

Conditions:
PMFBP1-related disorder. Also called: PMFBP1-related condition.

Allele frequency attached by ClinVar (database versions not stated): 1000 Genomes Project 30x 0.00062; ExAC 0.00076; 1000 Genomes Project 0.00080; gnomAD 0.00097; ESP Exome Variant Server 0.00108; TOPMed 0.00151.
gnomAD v4.1: 1,255 of 1,613,214 alleles (0.078%); highest among the groups gnomAD compares: Middle Eastern, 0.61%; 3 homozygotes.

Submissions (2):

Blueprint Genetics
Classification: Likely benign. Last evaluated: 2024-11-06. Review status: criteria provided, single submitter. Criteria: ACMG Guidelines, 2015. Collection method: clinical testing. Allele origin: germline.

PreventionGenetics, part of Exact Sciences
Classification: Likely benign for PMFBP1-related condition. Last evaluated: 2019-02-22. Review status: no assertion criteria provided. Collection method: clinical testing. Allele origin: germline. Not counted in ClinVar's aggregate classification.
Comment: This variant is classified as likely benign based on ACMG/AMP sequence variant interpretation guidelines (Richards et al. 2015 PMID: 25741868, with internal and published modifications).

NM_031293.3(PMFBP1):c.2693+8T>C

Gene: PMFBP1 (polyamine modulated factor 1 binding protein 1; minus strand). Cytogenetic location: 16q22.2.
Variant type: single nucleotide variant.
Coding change: c.2693+8T>C on transcript NM_031293.3 (MANE Select); 8 bases into the intron after coding-DNA position 2693, T replaced by C.
Molecular consequence: intron variant.
Genome position (GRCh38, 1-based): chr16:72,123,538, A>G on the plus strand (T>C on the coding strand, the complement: PMFBP1 is on the minus strand). VCF-style: chr16-72123538-A-G. GRCh37 (hg19) VCF-style: chr16-72157437-A-G.
Other names: c.2258+8T>C (NM_001160213.2).
Identifiers: ClinVar variation 3044398 (VCV003044398.3), dbSNP rs187446370, ClinGen allele CA8161299.